The following is an entry in ClinVar:

ClinVar aggregate classification (germline): Likely benign (1 of 4 stars; one submission).

Conditions:
Neurodevelopmental disorder with or without anomalies of the brain, eye, or heart (NEDBEH). Identifiers: Orphanet 494344, MedGen C5567477, MONDO:0014857, OMIM 616975.

Submission:

Centre for Medical Genetics,  Mumbai
Classification: Likely benign for Neurodevelopmental disorder with or without anomalies of the brain, eye, or heart. Last evaluated: 2026-02-16. Review status: criteria provided, single submitter. Criteria: ACMG Guidelines, 2015. Collection method: provider interpretation. Allele origin: germline. Inheritance: Autosomal dominant inheritance. Affected: no. Observed: 1 heterozygote.
Comment: The variant satisfies PM2 criteria; Extremely low frequency in gnomAD population databases. The variant satisfies BP4 criteria; For a missense or a splice region variant, computational prediction tools unanimously support a benign effect on the gene. However, the variant satisfies BS2 criteria.

Literature cited by the submitters: PubMed 27087320.

NM_001042681.2(RERE):c.2470C>T (p.Pro824Ser)

Gene: RERE (arginine-glutamic acid dipeptide repeats; minus strand). Cytogenetic location: 1p36.23.
Variant type: single nucleotide variant.
Coding change: c.2470C>T on transcript NM_001042681.2 (MANE Select); coding-DNA position 2470, C replaced by T.
Protein change: p.Pro824Ser; replaces proline 824 with serine.
Molecular consequence: missense variant.
Genome position (GRCh38, 1-based): chr1:8,361,037, G>A on the plus strand (C>T on the coding strand, the complement: RERE is on the minus strand). VCF-style: chr1-8361037-G-A. GRCh37 (hg19) VCF-style: chr1-8421097-G-A.
Other names: c.808C>T, p.Pro270Ser (NM_001042682.2); c.2470C>T, p.Pro824Ser (NM_012102.4); short protein forms P270S, P824S.
Identifiers: ClinVar variation 4795841 (VCV004795841.1).